The following is an entry in ClinVar:

ClinVar aggregate classification (germline): Uncertain significance (1 of 4 stars; one submission).

Conditions:
Cardiovascular phenotype. Identifiers: MedGen CN230736.

Allele frequency attached by ClinVar (database versions not stated): gnomAD 0.00006.
gnomAD v4.1: 4 of 1,614,082 alleles (0.00025%); highest among the groups gnomAD compares: East Asian, 0.0045%; no homozygotes.

Submission:

Ambry Genetics
Classification: Uncertain significance for Cardiovascular phenotype. Last evaluated: 2016-02-17. Review status: criteria provided, single submitter. Criteria: Ambry Variant Classification Scheme 2023. Collection method: clinical testing. Allele origin: germline.
Comment: The p.R1714P variant (also known as c.5141G>C), located in coding exon 32 of the MYH6 gene, results from a G to C substitution at nucleotide position 5141. The arginine at codon 1714 is replaced by proline, an amino acid with dissimilar properties. An alteration affecting the same amino acid (p.R1714W (c.5140C>T)) has been reported in a hypertrophic cardiomyopathy (HCM) cohort in an individual who also had variants in other cardiac-related genes (Lopes LR et al. J Med Genet. 2013;50(4):228-39). This variant was not reported in population based cohorts in the following databases: Database of Single Nucleotide Polymorphisms (dbSNP), NHLBI Exome Sequencing Project (ESP), and 1000 Genomes Project. In the ESP, this variant was not observed in 6503 samples (13006 alleles) with coverage at this position. This amino acid position is highly conserved in available vertebrate species. In addition, this alteration is predicted to be deleterious by in silico analysis. Since supporting evidence is limited at this time, the clinical significance of this alteration remains unclear.

NM_002471.4(MYH6):c.5141G>C (p.Arg1714Pro)

Genes: MYH6 (myosin heavy chain 6; minus strand), LOC126861896 (BRD4-independent group 4 enhancer GRCh37_chr14:23854904-23856103; plus strand). Cytogenetic location: 14q11.2.
Variant type: single nucleotide variant.
Coding change: c.5141G>C on transcript NM_002471.4 (MANE Select); coding-DNA position 5141, G replaced by C.
Protein change: p.Arg1714Pro; replaces arginine 1714 with proline.
Molecular consequence: missense variant.
Genome position (GRCh38, 1-based): chr14:23,385,950, C>G on the plus strand (G>C on the coding strand, the complement: MYH6 is on the minus strand). VCF-style: chr14-23385950-C-G. GRCh37 (hg19) VCF-style: chr14-23855159-C-G.
Other names: short protein forms R1714P.
Identifiers: ClinVar variation 518502 (VCV000518502.5), dbSNP rs777682189, ClinGen allele CA388989145.